The following is an entry in ClinVar:

ClinVar aggregate classification (germline): Likely benign. Review status: criteria provided, multiple submitters, no conflicts (2 of 4 stars). 2 submissions from 2 submitters: Likely benign (2). Last evaluated 2019-02-26.

Submissions (2):

GeneDx
Classification: Likely benign. Last evaluated: 2019-02-26. Review status: criteria provided, single submitter. Criteria: GeneDx Variant Classification Process June 2021. Collection method: clinical testing. Allele origin: germline. Affected: yes.

Laboratory for Molecular Medicine, Mass General Brigham Personalized Medicine
Classification: Likely benign. Last evaluated: 2017-12-05. Review status: criteria provided, single submitter. Criteria: LMM Criteria. Collection method: clinical testing. Allele origin: germline. Observed: 2 variant alleles.
Comment: c.2523-5_2523-4insT in intron 19 of OTOG: This variant is not expected to have c linical significance because it does not cause the splice site sequence to diver ge from consensus and is therefore unlikely to impact splicing. It has been iden tified in 0.33% (75/22594) of South Asian chromosomes including 2 homozygotes by the Genome Aggregation Database (gnomAD; dbSN P rs562652501). ACMG/AMP Criteria applied: BS1; BP7.

NM_001292063.2(OTOG):c.2487-5dup

Gene: OTOG (otogelin; plus strand). Cytogenetic location: 11p15.1.
Variant type: Duplication.
Coding change: c.2487-5dup on transcript NM_001292063.2 (MANE Select); 5 bases into the intron before coding-DNA position 2487, one base duplicated (T; older notation c.2487-5dupT).
Molecular consequence: intron variant.
Genome position (GRCh38, 1-based): chr11:17,576,551, T duplicated; the last of 7 consecutive T bases (chr11:17,576,545-17,576,551); duplicating any one gives the same sequence. VCF-style (leftmost placement, unchanged base first): chr11-17576544-A-AT. GRCh37 (hg19) VCF-style: chr11-17598091-A-AT.
Other names: c.2523-5dup (NM_001277269.2); c.2523-5dupT (NM_001277269.1); c.2523-5_2523-4insT (NM_001277269.1).
Identifiers: ClinVar variation 506217 (VCV000506217.8), dbSNP rs562652501, ClinGen allele CA5905629.